The following is an entry in ClinVar:

NM_001281740.3(FHOD3):c.2101G>A (p.Asp701Asn)

Gene: FHOD3 (formin homology 2 domain containing 3; plus strand). Cytogenetic location: 18q12.2.
Variant type: single nucleotide variant.
Coding change: c.2101G>A on transcript NM_001281740.3 (MANE Select); coding-DNA position 2101, G replaced by A.
Protein change: p.Asp701Asn; replaces aspartic acid 701 with asparagine.
Molecular consequence: missense variant.
Genome position (GRCh38, 1-based): chr18:36,693,288, G>A. VCF-style: chr18-36693288-G-A. GRCh37 (hg19) VCF-style: chr18-34273251-G-A.
Other names: c.1525G>A, p.Asp509Asn (NM_001281739.3); c.1576G>A, p.Asp526Asn (NM_025135.5); short protein forms D509N, D526N, D701N.
Identifiers: ClinVar variation 3895362 (VCV003895362.1), dbSNP rs371328026.

ClinVar aggregate classification (germline): Uncertain significance (1 of 4 stars; one submission).

Conditions:
Cardiovascular phenotype. Identifiers: MedGen CN230736.

gnomAD v4.1: 8 of 1,613,646 alleles (0.0005%); highest among the groups gnomAD compares: East Asian, 0.0022%; no homozygotes.

Submission:

Molecular Diagnostic Laboratory for Inherited Cardiovascular Disease, Montreal Heart Institute
Classification: Uncertain significance for Cardiovascular phenotype. Last evaluated: 2025-04-09. Review status: criteria provided, single submitter. Criteria: ACMG Guidelines, 2015. Collection method: clinical testing. Allele origin: germline. Affected: yes.
Comment: PM2